The following is an entry in ClinVar:

ClinVar aggregate classification (germline): Likely benign (1 of 4 stars; one submission).

gnomAD v4.1: 10 of 774,046 alleles (0.0013%); highest among the groups gnomAD compares: African/African-American, 0.0018%; no homozygotes.

Submission:

GeneDx
Classification: Likely benign. Last evaluated: 2016-08-22. Review status: criteria provided, single submitter. Criteria: GeneDx Variant Classification (06012015). Collection method: clinical testing. Allele origin: germline. Affected: yes.
Comment: This variant is considered likely benign or benign based on one or more of the following criteria: it is a conservative change, it occurs at a poorly conserved position in the protein, it is predicted to be benign by multiple in silico algorithms, and/or has population frequency not consistent with disease.

NM_007327.4(GRIN1):c.*9G>A

Gene: GRIN1 (glutamate ionotropic receptor NMDA type subunit 1; plus strand). Cytogenetic location: 9q34.3.
Variant type: single nucleotide variant.
Coding change: c.*9G>A on transcript NM_007327.4 (MANE Select); 9 bases downstream of the stop codon, G replaced by A.
Molecular consequence: 3 prime UTR variant. On other transcripts: intron variant (3).
Genome position (GRCh38, 1-based): chr9:137,167,536, G>A. VCF-style: chr9-137167536-G-A. GRCh37 (hg19) VCF-style: chr9-140061988-G-A.
Other names: c.*9G>A (NM_021569.4); c.2764-238G>A (NM_001185090.2); c.2653-238G>A (NM_001185091.2); c.2590-238G>A (NM_000832.7).
Identifiers: ClinVar variation 388774 (VCV000388774.1), dbSNP rs1057523226, ClinGen allele CA16605664.